The following is an entry in ClinVar:

ClinVar aggregate classification (germline): Pathogenic (1 of 4 stars; one submission).

Conditions:
Mitochondrial complex II deficiency, nuclear type 1. Also called: SUCCINATE CoQ REDUCTASE DEFICIENCY. Identifiers: Orphanet 3208, MedGen C5700310, MONDO:0100294, OMIM 252011.
Pheochromocytoma/paraganglioma syndrome 5. Also called: Paragangliomas 5; SDHA-Related Hereditary Paraganglioma-Pheochromocytoma Syndrome. Identifiers: Orphanet 29072, MedGen C3279992, MONDO:0013602, OMIM 614165.

Submission:

Labcorp Genetics (formerly Invitae), Labcorp
Classification: Pathogenic for Pheochromocytoma/paraganglioma syndrome 5; Mitochondrial complex II deficiency, nuclear type 1. Last evaluated: 2021-03-10. Review status: criteria provided, single submitter. Criteria: Invitae Variant Classification Sherloc (09022015). Collection method: clinical testing. Allele origin: germline.
Comment: For these reasons, this variant has been classified as Pathogenic. This variant has not been reported in the literature in individuals with SDHA-related conditions. This variant is not present in population databases (ExAC no frequency). This sequence change creates a premature translational stop signal (p.Leu133Thrfs*12) in the SDHA gene. It is expected to result in an absent or disrupted protein product. Loss-of-function variants in SDHA are known to be pathogenic (PMID: 22974104, 24781757).

Literature cited by the submitters: PubMed 22974104; PubMed 24781757.

NM_004168.4(SDHA):c.392_396dup (p.Leu133fs)

Gene: SDHA (succinate dehydrogenase complex flavoprotein subunit A; plus strand). Cytogenetic location: 5p15.33.
Variant type: Duplication.
Coding change: c.392_396dup on transcript NM_004168.4 (MANE Select); coding-DNA positions 392 to 396, 5 bases duplicated (ACTGG; older notation c.392_396dupACTGG).
Protein change: p.Leu133fs; shifts the reading frame from leucine 133.
Molecular consequence: frameshift variant. On other transcripts: intron variant (1).
Genome position (GRCh38, 1-based): chr5:225,498-225,502, ACTGG duplicated; duplicating any 5 consecutive bases within chr5:225,497-225,502 gives the same sequence; the c. name uses the placement nearest the transcript's 3' end. VCF-style (leftmost placement, unchanged base first): chr5-225496-C-CGACTG. GRCh37 (hg19) VCF-style: chr5-225611-C-CGACTG.
Other names: c.392_396dup, p.Leu133fs (NM_001330758.2); c.313-385_313-381dup (NM_001294332.2); short protein forms L133fs.
Identifiers: ClinVar variation 1354535 (VCV001354535.6), dbSNP rs2126547233, ClinGen allele CA2573138535.